The following is an entry in ClinVar:

NM_017739.4(POMGNT1):c.541G>A (p.Gly181Ser)

Genes: POMGNT1 (protein O-linked mannose N-acetylglucosaminyltransferase 1 (beta 1,2-); minus strand), TSPAN1 (tetraspanin 1; plus strand). Cytogenetic location: 1p34.1.
Variant type: single nucleotide variant.
Coding change: c.541G>A on transcript NM_017739.4 (MANE Select); coding-DNA position 541, G replaced by A.
Protein change: p.Gly181Ser; replaces glycine 181 with serine.
Molecular consequence: missense variant.
Genome position (GRCh38, 1-based): chr1:46,194,955, C>T on the plus strand (G>A on the coding strand, the complement: POMGNT1 is on the minus strand). VCF-style: chr1-46194955-C-T. GRCh37 (hg19) VCF-style: chr1-46660627-C-T.
Other names: c.541G>A, p.Gly181Ser (NM_001243766.2, NM_001410783.1); c.475G>A, p.Gly159Ser (NM_001290129.3); c.112G>A, p.Gly38Ser (NM_001290130.2); short protein forms G181S, G159S, G38S.
Identifiers: ClinVar variation 1375776 (VCV001375776.8), dbSNP rs2148205851, ClinGen allele CA340187488.
Genomic context (GRCh38, chr1:46,194,955, plus strand): 5'-CAGCCTGGCTGCCCAGGCTCCTCAGCAGAGCCTTGGCTGTGTCCTTGAGGTGGAAGGAGC[C>T]CTCATCCTGGGGGACCAGAGAAGGCAGTTAGCCTGACTGGCATGGTTCCAGGAGACCTGG-3'
Protein context (NP_060209.4, residues 171-191): RVLICTVKDE[Gly181Ser]SFHLKDTAKA

ClinVar aggregate classification (germline): Uncertain significance (1 of 4 stars; one submission).

Conditions:
Autosomal recessive limb-girdle muscular dystrophy type 2O. Also called: Limb-Girdle Muscular Dystrophy Type 3C; MUSCULAR DYSTROPHY-DYSTROGLYCANOPATHY (LIMB-GIRDLE), TYPE C, 3; MUSCULAR DYSTROPHY-DYSTROGLYCANOPATHY, LIMB-GIRDLE, POMGNT1-RELATED. Identifiers: Orphanet 206564, MedGen C3150417, MONDO:0013161, OMIM 613157.
Muscular dystrophy-dystroglycanopathy (congenital with impaired intellectual development), type B, 3. Also called: MUSCULAR DYSTROPHY, CONGENITAL, POMGNT1-RELATED; Muscular dystrophy-dystroglycanopathy (congenital with intellectual disability), type B3. Identifiers: MedGen C3150412, MONDO:0013155, OMIM 613151.

gnomAD v4.1: 1 of 1,614,060 alleles (0.000062%); highest among the groups gnomAD compares: South Asian, 0.0011%; no homozygotes.

Submission:

Labcorp Genetics (formerly Invitae), Labcorp
Classification: Uncertain significance for Autosomal recessive limb-girdle muscular dystrophy type 2O; Muscular dystrophy-dystroglycanopathy (congenital with impaired intellectual development), type B, 3. Last evaluated: 2021-02-25. Review status: criteria provided, single submitter. Criteria: Invitae Variant Classification Sherloc (09022015). Collection method: clinical testing. Allele origin: germline.
Comment: This sequence change replaces glycine with serine at codon 181 of the POMGNT1 protein (p.Gly181Ser). The glycine residue is highly conserved and there is a small physicochemical difference between glycine and serine. This variant is not present in population databases (ExAC no frequency). This variant has not been reported in the literature in individuals with POMGNT1-related conditions. Advanced modeling of protein sequence and biophysical properties (such as structural, functional, and spatial information, amino acid conservation, physicochemical variation, residue mobility, and thermodynamic stability) performed at Invitae indicates that this missense variant is not expected to disrupt POMGNT1 protein function. In summary, the available evidence is currently insufficient to determine the role of this variant in disease. Therefore, it has been classified as a Variant of Uncertain Significance.